The following is an entry in ClinVar:

NM_000540.3(RYR1):c.6445G>A (p.Val2149Met)

Gene: RYR1 (ryanodine receptor 1; plus strand). Cytogenetic location: 19q13.2.
Variant type: single nucleotide variant.
Coding change: c.6445G>A on transcript NM_000540.3 (MANE Select); coding-DNA position 6445, G replaced by A.
Protein change: p.Val2149Met; replaces valine 2149 with methionine.
Molecular consequence: missense variant.
Genome position (GRCh38, 1-based): chr19:38,494,522, G>A. VCF-style: chr19-38494522-G-A. GRCh37 (hg19) VCF-style: chr19-38985162-G-A.
Other names: c.6445G>A, p.Val2149Met (NM_001042723.2); short protein forms V2149M.
Identifiers: ClinVar variation 656707 (VCV000656707.17), dbSNP rs776830747, ClinGen allele CA068263.

ClinVar aggregate classification (germline): Conflicting classifications of pathogenicity. Review status: criteria provided, conflicting classifications (1 of 4 stars). 8 submissions from 8 submitters: Likely pathogenic (1); Uncertain significance (7). Last evaluated 2024-11-26.

Conditions:
RYR1-related disorder. Also called: RYR1-related disorders; RYR1-related condition. Identifiers: MedGen CN239331.
Malignant hyperthermia, susceptibility to, 1 (MHS1). Also called: RYR1-Related Malignant Hyperthermia Susceptibility; Malignant hyperthermia suceptibility 1; Anesthesia related hyperthermia; Malignant hyperpyrexia; Fulminating hyperpyrexia; Pharmacogenic myopathy. Identifiers: Orphanet 423, MedGen C2930980, MONDO:0007783, OMIM 145600.
Central core myopathy (CMYO1A). Also called: CONGENITAL MYOPATHY 1A, AUTOSOMAL DOMINANT, WITH SUSCEPTIBILITY TO MALIGNANT HYPERTHERMIA; Central core disease; Myopathy, central fibrillar. Identifiers: Orphanet 597, MedGen C5830701, MONDO:0007294, OMIM 117000.

Allele frequency attached by ClinVar (database versions not stated): TOPMed below 0.00001; gnomAD 0.00001; gnomAD exomes 0.00001 and 0.00002; ExAC 0.00002.
gnomAD v4.1: 22 of 1,613,754 alleles (0.0014%); highest among the groups gnomAD compares: East Asian, 0.0022%; no homozygotes.

Submissions (8):

PreventionGenetics, part of Exact Sciences
Classification: Uncertain significance for RYR1-related condition. Last evaluated: 2024-11-26. Review status: criteria provided, single submitter. Criteria: ACMG Guidelines, 2015. Collection method: clinical testing. Allele origin: germline.
Comment: The RYR1 c.6445G>A variant is predicted to result in the amino acid substitution p.Val2149Met. This variant was reported in the compound heterozygous state in an individual with an an autosomal recessive RYR1-related disorder (Table S3, Marinakis et al. 2021. PubMed ID: 34008892). This variant is reported in 0.010% of alleles in individuals of East Asian descent in gnomAD. At this time, the clinical significance of this variant is uncertain due to the absence of conclusive functional and genetic evidence.

Women's Health and Genetics/Laboratory Corporation of America, LabCorp
Classification: Uncertain significance. Last evaluated: 2024-11-18. Review status: criteria provided, single submitter. Criteria: LabCorp Variant Classification Summary - May 2015. Collection method: clinical testing. Allele origin: germline.
Comment: Variant summary: RYR1 c.6445G>A (p.Val2149Met) results in a conservative amino acid change in the encoded protein sequence. Two of four in-silico tools predict a benign effect of the variant on protein function. The variant allele was found at a frequency of 2.4e-05 in 250732 control chromosomes. The available data on variant occurrences in the general population are insufficient to allow any conclusion about variant significance. c.6445G>A has been reported in the literature in at-least one compound heterozygous individual affected with Neuromuscular disease (example: Marinakis_2021). These report(s) do not provide unequivocal conclusions about association of the variant with Congenital Multicore Myopathy With External Ophthalmoplegia. To our knowledge, no experimental evidence demonstrating an impact on protein function has been reported. The following publication has been ascertained in the context of this evaluation (PMID: 34008892). ClinVar contains an entry for this variant (Variation ID: 656707). Based on the evidence outlined above, the variant was classified as uncertain significance.

Labcorp Genetics (formerly Invitae), Labcorp
Classification: Uncertain significance for RYR1-related disorder. Last evaluated: 2024-10-13. Review status: criteria provided, single submitter. Criteria: Invitae Variant Classification Sherloc (09022015). Collection method: clinical testing. Allele origin: germline.
Comment: This sequence change replaces valine, which is neutral and non-polar, with methionine, which is neutral and non-polar, at codon 2149 of the RYR1 protein (p.Val2149Met). This variant is present in population databases (rs776830747, gnomAD 0.008%). This variant has not been reported in the literature in individuals affected with RYR1-related conditions. ClinVar contains an entry for this variant (Variation ID: 656707). An algorithm developed to predict the effect of missense changes on protein structure and function outputs the following: PolyPhen-2: "Benign". The methionine amino acid residue is found in multiple mammalian species, which suggests that this missense change does not adversely affect protein function. In summary, the available evidence is currently insufficient to determine the role of this variant in disease. Therefore, it has been classified as a Variant of Uncertain Significance.

All of Us Research Program, National Institutes of Health
Classification: Uncertain significance for Malignant hyperthermia, susceptibility to, 1. Last evaluated: 2024-08-13. Review status: criteria provided, single submitter. Criteria: ACMG Guidelines, 2015. Collection method: clinical testing. Allele origin: germline. Inheritance: Autosomal dominant inheritance. Observed: 3 variant alleles, 3 heterozygotes.
Comment: This missense variant replaces valine with methionine at codon 2149 of the RYR1 protein. Computational prediction suggests that this variant may not impact protein structure and function. To our knowledge, functional studies have not been reported for this variant. This variant has not been reported in individuals affected with autosomal dominant malignant hyperthermia in the literature, although it is associated with other phenotype(s) (ClinVar variation ID: 656707). This variant has been identified in 7/282122 chromosomes in the general population by the Genome Aggregation Database (gnomAD). Due to insufficient evidence, this variant is classified as a Variant of Uncertain Significance for autosomal dominant malignant hyperthermia.

This study involves interpretation of variants in research participants for the purpose of population health screening. Participant phenotype was not available at the time of variant classification. Additional details can be found in publication PMID: 35346344, PMCID: PMC8962531

Color Diagnostics, LLC DBA Color Health
Classification: Uncertain significance for Malignant hyperthermia, susceptibility to, 1. Last evaluated: 2024-07-24. Review status: criteria provided, single submitter. Criteria: ACMG Guidelines, 2015. Collection method: clinical testing. Allele origin: germline.
Comment: This missense variant replaces valine with methionine at codon 2149 of the RYR1 protein. Computational prediction suggests that this variant may not impact protein structure and function. To our knowledge, functional studies have not been reported for this variant. This variant has not been reported in individuals affected with autosomal dominant malignant hyperthermia in the literature, although it is associated with other phenotype(s) (ClinVar variation ID: 656707). This variant has been identified in 7/282122 chromosomes in the general population by the Genome Aggregation Database (gnomAD). Due to insufficient evidence, this variant is classified as a Variant of Uncertain Significance for autosomal dominant malignant hyperthermia.

GeneDx
Classification: Uncertain significance. Last evaluated: 2023-03-09. Review status: criteria provided, single submitter. Criteria: GeneDx Variant Classification Process June 2021. Collection method: clinical testing. Allele origin: germline. Affected: yes.
Comment: Reported in a patient referred for whole exome sequencing who also harbored a missense variant in the RYR1 gene in trans (Marinakis et al., 2021); however, detailed clinical information was not provided; In silico analysis supports that this missense variant does not alter protein structure/function; Not observed at significant frequency in large population cohorts (gnomAD); This variant is associated with the following publications: (PMID: 12668474, 34008892)

Laboratory of Medical Genetics, National & Kapodistrian University of Athens
Classification: Likely pathogenic for Central core myopathy. Last evaluated: 2021-10-01. Review status: criteria provided, single submitter. Criteria: ACMG Guidelines, 2015. Collection method: clinical testing. Allele origin: paternal. Affected: yes.
Comment: PM2, PP2, PP3, PP4

Revvity Omics, Revvity
Classification: Uncertain significance. Last evaluated: 2019-12-26. Review status: criteria provided, single submitter. Criteria: ACMG Guidelines, 2015. Collection method: clinical testing. Allele origin: germline.

Literature cited by the submitters: PubMed 34008892 (cited by Women's Health and Genetics/Laboratory Corporation of America, LabCorp).